The following is an entry in ClinVar:

ClinVar aggregate classification (germline): Likely benign (1 of 4 stars; one submission).

Allele frequency attached by ClinVar (database versions not stated): gnomAD exomes 0.00002; ExAC 0.00003; gnomAD 0.00006; TOPMed 0.00006; 1000 Genomes Project 30x 0.00016; 1000 Genomes Project 0.00020.
gnomAD v4.1: 31 of 1,612,988 alleles (0.0019%); highest among the groups gnomAD compares: Middle Eastern, 0.016%; no homozygotes.

Submission:

CeGaT Center for Human Genetics Tuebingen
Classification: Likely benign. Last evaluated: 2022-12-01. Review status: criteria provided, single submitter. Criteria: CeGaT Center For Human Genetics Tuebingen Variant Classification Criteria Version 2. Collection method: clinical testing. Allele origin: germline. Affected: yes. Observed: 1 variant allele.
Comment: EXOC3L1: BP4, BP7

NM_178516.4(EXOC3L1):c.510G>A (p.Glu170=)

Gene: EXOC3L1 (exocyst complex component 3 like 1; minus strand). Cytogenetic location: 16q22.1.
Variant type: single nucleotide variant.
Coding change: c.510G>A on transcript NM_178516.4 (MANE Select); coding-DNA position 510, G replaced by A.
Protein change: p.Glu170=; no amino-acid change (glutamic acid 170 retained).
Molecular consequence: synonymous variant.
Genome position (GRCh38, 1-based): chr16:67,187,755, C>T on the plus strand (G>A on the coding strand, the complement: EXOC3L1 is on the minus strand). VCF-style: chr16-67187755-C-T. GRCh37 (hg19) VCF-style: chr16-67221658-C-T.
Identifiers: ClinVar variation 2646612 (VCV002646612.24), dbSNP rs540679502, ClinGen allele CA8103338.